The following is an entry in ClinVar:

ClinVar aggregate classification (germline): Uncertain significance (1 of 4 stars; one submission).

gnomAD v4.1: 5 of 1,563,592 alleles (0.00032%); highest among the groups gnomAD compares: African/African-American, 0.0068%; no homozygotes.

Submission:

GeneDx
Classification: Uncertain significance. Last evaluated: 2026-02-13. Review status: criteria provided, single submitter. Criteria: GeneDx Variant Classification Process June 2021. Collection method: clinical testing. Allele origin: germline.
Comment: Not observed at significant frequency in large population cohorts (gnomAD); In silico analysis supports a deleterious effect on splicing; Has not been previously published as pathogenic or benign to our knowledge

NM_001378609.3(OTOGL):c.3334-4A>G

Gene: OTOGL (otogelin like; plus strand). Cytogenetic location: 12q21.31.
Variant type: single nucleotide variant.
Coding change: c.3334-4A>G on transcript NM_001378609.3 (MANE Select); 4 bases into the intron before coding-DNA position 3334, A replaced by G.
Molecular consequence: intron variant.
Genome position (GRCh38, 1-based): chr12:80,310,607, A>G. VCF-style: chr12-80310607-A-G. GRCh37 (hg19) VCF-style: chr12-80704387-A-G.
Other names: c.3199-4A>G (NM_001368062.3); c.3334-4A>G (NM_001378610.3, NM_173591.7).
Identifiers: ClinVar variation 4976510 (VCV004976510.1).